The following is an entry in ClinVar:

NM_032638.5(GATA2):c.1037G>C (p.Gly346Ala)

Gene: GATA2 (GATA binding protein 2; minus strand). Cytogenetic location: 3q21.3.
Variant type: single nucleotide variant.
Coding change: c.1037G>C on transcript NM_032638.5 (MANE Select); coding-DNA position 1037, G replaced by C.
Protein change: p.Gly346Ala; replaces glycine 346 with alanine.
Molecular consequence: missense variant. On other transcripts: intron variant (1).
Genome position (GRCh38, 1-based): chr3:128,481,925, C>G on the plus strand (G>C on the coding strand, the complement: GATA2 is on the minus strand). VCF-style: chr3-128481925-C-G. GRCh37 (hg19) VCF-style: chr3-128200768-C-G.
Other names: c.1037G>C, p.Gly346Ala (NM_001145661.2); c.1018-23G>C (NM_001145662.1); short protein forms G346A.
Identifiers: ClinVar variation 2947214 (VCV002947214.3), dbSNP rs2472921128, ClinGen allele CA354413676.

ClinVar aggregate classification (germline): Uncertain significance (1 of 4 stars; one submission).

Conditions:
Deafness-lymphedema-leukemia syndrome. Also called: Lymphedema, primary, with myelodysplasia; Emberger syndrome. Identifiers: Orphanet 3226, MedGen C3279664, MONDO:0013540, OMIM 614038.
Monocytopenia with susceptibility to infections. Also called: MONOCYTOPENIA AND MYCOBACTERIAL INFECTION SYNDROME; MONOCYTOPENIA WITH SUSCEPTIBILITY TO MYCOBACTERIAL, FUNGAL, AND PAPILLOMAVIRUS INFECTIONS AND MYELODYSPLASIA; COMBINED IMMUNODEFICIENCY WITH SUSCEPTIBILITY TO MYCOBACTERIAL, VIRAL, AND FUNGAL INFECTIONS; Dendritic cell, monocyte, B lymphocyte, and natural killer lymphocyte deficiency; IMMUNODEFICIENCY 21; GATA2 DEFICIENCY. Identifiers: Orphanet 228423, MedGen C3280030, MONDO:0013607, OMIM 614172.

Submission:

Labcorp Genetics (formerly Invitae), Labcorp
Classification: Uncertain significance for Monocytopenia with susceptibility to infections; Deafness-lymphedema-leukemia syndrome. Last evaluated: 2023-04-27. Review status: criteria provided, single submitter. Criteria: Invitae Variant Classification Sherloc (09022015). Collection method: clinical testing. Allele origin: germline.
Comment: This sequence change replaces glycine, which is neutral and non-polar, with alanine, which is neutral and non-polar, at codon 346 of the GATA2 protein (p.Gly346Ala). This variant is not present in population databases (gnomAD no frequency). This variant has not been reported in the literature in individuals affected with GATA2-related conditions. Advanced modeling of protein sequence and biophysical properties (such as structural, functional, and spatial information, amino acid conservation, physicochemical variation, residue mobility, and thermodynamic stability) has been performed at Invitae for this missense variant, however the output from this modeling did not meet the statistical confidence thresholds required to predict the impact of this variant on GATA2 protein function. In summary, the available evidence is currently insufficient to determine the role of this variant in disease. Therefore, it has been classified as a Variant of Uncertain Significance.